The following is an entry in ClinVar:

NM_021913.5(AXL):c.845C>T (p.Pro282Leu)

Gene: AXL (AXL receptor tyrosine kinase; plus strand). Cytogenetic location: 19q13.2.
Variant type: single nucleotide variant.
Coding change: c.845C>T on transcript NM_021913.5 (MANE Select); coding-DNA position 845, C replaced by T.
Protein change: p.Pro282Leu; replaces proline 282 with leucine.
Molecular consequence: missense variant.
Genome position (GRCh38, 1-based): chr19:41,238,005, C>T. VCF-style: chr19-41238005-C-T. GRCh37 (hg19) VCF-style: chr19-41743910-C-T.
Other names: c.845C>T (NM_021913.4); c.41C>T, p.Pro14Leu (NM_001278599.2); c.845C>T, p.Pro282Leu (NM_001699.6); short protein forms P282L, P14L.
Identifiers: ClinVar variation 2918463 (VCV002918463.5), dbSNP rs191926606, ClinGen allele CA9458097.

ClinVar aggregate classification (germline): Uncertain significance. Review status: criteria provided, single submitter (1 of 4 stars). 2 submissions from 2 submitters: Uncertain significance (1). 1 of the submissions does not count toward it. Last evaluated 2025-10-09.

Conditions:
AXL-related disorder. Also called: AXL-related condition.

Allele frequency attached by ClinVar (database versions not stated): ESP Exome Variant Server 0.00008; TOPMed 0.00013; gnomAD 0.00019; ExAC 0.00035; 1000 Genomes Project 30x 0.00125; 1000 Genomes Project 0.00060.
gnomAD v4.1: 386 of 1,613,894 alleles (0.024%); highest among the groups gnomAD compares: South Asian, 0.17%; no homozygotes.

Submissions (2):

Labcorp Genetics (formerly Invitae), Labcorp
Classification: Uncertain significance. Last evaluated: 2025-10-09. Review status: criteria provided, single submitter. Criteria: Invitae Variant Classification Sherloc (09022015). Collection method: clinical testing. Allele origin: germline.
Comment: This sequence change replaces proline, which is neutral and non-polar, with leucine, which is neutral and non-polar, at codon 282 of the AXL protein (p.Pro282Leu). This variant is present in population databases (rs191926606, gnomAD 0.2%), and has an allele count higher than expected for a pathogenic variant. This variant has not been reported in the literature in individuals affected with AXL-related conditions. ClinVar contains an entry for this variant (Variation ID: 2918463). Invitae Evidence Modeling of protein sequence and biophysical properties (such as structural, functional, and spatial information, amino acid conservation, physicochemical variation, residue mobility, and thermodynamic stability) indicates that this missense variant is not expected to disrupt AXL protein function with a negative predictive value of 80%. In summary, the available evidence is currently insufficient to determine the role of this variant in disease. Therefore, it has been classified as a Variant of Uncertain Significance.

PreventionGenetics, part of Exact Sciences
Classification: Likely benign for AXL-related condition. Last evaluated: 2022-03-16. Review status: no assertion criteria provided. Collection method: clinical testing. Allele origin: germline. Not counted in ClinVar's aggregate classification.
Comment: This variant is classified as likely benign based on ACMG/AMP sequence variant interpretation guidelines (Richards et al. 2015 PMID: 25741868, with internal and published modifications).